The following is an entry in ClinVar:

ClinVar aggregate classification (germline): Uncertain significance (1 of 4 stars; one submission).

Conditions:
MEGF10-related myopathy (CMYO10A). Also called: Congenital myopathy 10A, severe variant. Identifiers: Orphanet 439212, MedGen C3280679, MONDO:0013731, OMIM 614399.

Submission:

Labcorp Genetics (formerly Invitae), Labcorp
Classification: Uncertain significance for Myopathy, areflexia, respiratory distress, and dysphagia, early-onset. Last evaluated: 2018-11-09. Review status: criteria provided, single submitter. Criteria: Invitae Variant Classification Sherloc (09022015). Collection method: clinical testing. Allele origin: germline.
Comment: This sequence change replaces threonine with alanine at codon 676 of the MEGF10 protein (p.Thr676Ala). The threonine residue is highly conserved and there is a small physicochemical difference between threonine and alanine. This variant is not present in population databases (ExAC no frequency). This variant has not been reported in the literature in individuals with MEGF10-related disease. Algorithms developed to predict the effect of missense changes on protein structure and function (SIFT, PolyPhen-2, Align-GVGD) all suggest that this variant is likely to be disruptive, but these predictions have not been confirmed by published functional studies and their clinical significance is uncertain. In summary, the available evidence is currently insufficient to determine the role of this variant in disease. Therefore, it has been classified as a Variant of Uncertain Significance.

NM_001256545.2(MEGF10):c.2026A>G (p.Thr676Ala)

Gene: MEGF10 (multiple EGF like domains 10; plus strand). Cytogenetic location: 5q23.2.
Variant type: single nucleotide variant.
Coding change: c.2026A>G on transcript NM_001256545.2 (MANE Select); coding-DNA position 2026, A replaced by G.
Protein change: p.Thr676Ala; replaces threonine 676 with alanine.
Molecular consequence: missense variant.
Genome position (GRCh38, 1-based): chr5:127,435,411, A>G. VCF-style: chr5-127435411-A-G. GRCh37 (hg19) VCF-style: chr5-126771103-A-G.
Other names: c.2026A>G, p.Thr676Ala (NM_032446.3); short protein forms T676A.
Identifiers: ClinVar variation 650332 (VCV000650332.1), dbSNP rs1580867525, ClinGen allele CA360732570.